The following is an entry in ClinVar:

ClinVar aggregate classification (germline): Pathogenic. Review status: criteria provided, multiple submitters, no conflicts (2 of 4 stars). 3 submissions from 3 submitters: Pathogenic (2). 1 of the submissions does not count toward it. Last evaluated 2025-07-08.

Conditions:
Cerebral arteriopathy, autosomal dominant, with subcortical infarcts and leukoencephalopathy, type 2 (CADASIL2). Identifiers: MedGen C4225211, MONDO:0014768, OMIM 616779.

Submissions (3):

Labcorp Genetics (formerly Invitae), Labcorp
Classification: Pathogenic. Last evaluated: 2025-07-08. Review status: criteria provided, single submitter. Criteria: Invitae Variant Classification Sherloc (09022015). Collection method: clinical testing. Allele origin: germline.
Comment: This sequence change replaces arginine, which is basic and polar, with leucine, which is neutral and non-polar, at codon 166 of the HTRA1 protein (p.Arg166Leu). This variant is not present in population databases (gnomAD no frequency). This missense change has been observed in individuals with HTRA1-related conditions (PMID: 26063658, 34951056; internal data). It has also been observed to segregate with disease in related individuals. ClinVar contains an entry for this variant (Variation ID: 221228). Invitae Evidence Modeling of protein sequence and biophysical properties (such as structural, functional, and spatial information, amino acid conservation, physicochemical variation, residue mobility, and thermodynamic stability) has been performed for this missense variant. However, the output from this modeling did not meet the statistical confidence thresholds required to predict the impact of this variant on HTRA1 protein function. Experimental studies have shown that this missense change affects HTRA1 function (PMID: 26063658, 31316458). This variant disrupts the p.Arg166 amino acid residue in HTRA1. Other variant(s) that disrupt this residue have been determined to be pathogenic (PMID: 25712943, 26063658, 28402226, 30447605; internal data). This suggests that this residue is clinically significant, and that variants that disrupt this residue are likely to be disease-causing. For these reasons, this variant has been classified as Pathogenic.

3billion
Classification: Pathogenic for Cerebral arteriopathy, autosomal dominant, with subcortical infarcts and leukoencephalopathy, type 2. Last evaluated: 2022-09-01. Review status: criteria provided, single submitter. Criteria: ACMG Guidelines, 2015. Collection method: clinical testing. Allele origin: germline. Affected: yes. Observed: 1 heterozygote.
Comment: The variant is not observed in the gnomAD v2.1.1 dataset. Missense changes are a common disease-causing mechanism. Functional studies provide strong evidence of the variant having a damaging effect on the gene or gene product (PMID: 26063658). In silico tool predictions suggest damaging effect of the variant on gene or gene product (REVEL: 0.83; 3Cnet: 0.81). Same nucleotide change resulting in same amino acid change has been previously reported to be associated with HTRA1-related disorder (ClinVar ID: VCV000221228 / PMID: 26063658). A different missense change at the same codon (p.Arg166Cys) has been reported to be associated with HTRA1-related disorder (ClinVar ID: VCV001325819 / PMID: 25712943). Therefore, this variant is classified as Pathogenic according to the recommendation of ACMG/AMP guideline.

OMIM
Classification: Pathogenic for CEREBRAL ARTERIOPATHY, AUTOSOMAL DOMINANT, WITH SUBCORTICAL INFARCTS AND LEUKOENCEPHALOPATHY, TYPE 2. Last evaluated: 2016-09-21. Review status: no assertion criteria provided. Collection method: literature only. Allele origin: germline. Not counted in ClinVar's aggregate classification.

Literature cited by the submitters: PubMed 26063658 (cited by 3 submitters); PubMed 34951056 (cited by Labcorp Genetics (formerly Invitae), Labcorp); PubMed 31316458 (cited by Labcorp Genetics (formerly Invitae), Labcorp); PubMed 25712943 (cited by Labcorp Genetics (formerly Invitae), Labcorp and 3billion); PubMed 28402226 (cited by Labcorp Genetics (formerly Invitae), Labcorp); PubMed 30447605 (cited by Labcorp Genetics (formerly Invitae), Labcorp).

NM_002775.5(HTRA1):c.497G>T (p.Arg166Leu)

Gene: HTRA1 (HtrA serine peptidase 1; plus strand). Cytogenetic location: 10q26.13.
Variant type: single nucleotide variant.
Coding change: c.497G>T on transcript NM_002775.5 (MANE Select); coding-DNA position 497, G replaced by T.
Protein change: p.Arg166Leu; replaces arginine 166 with leucine.
Molecular consequence: missense variant.
Genome position (GRCh38, 1-based): chr10:122,488,926, G>T. VCF-style: chr10-122488926-G-T. GRCh37 (hg19) VCF-style: chr10-124248442-G-T.
Other names: short protein forms R166L.
Identifiers: ClinVar variation 221228 (VCV000221228.4), dbSNP rs864622781, ClinGen allele CA350920.